The following is an entry in ClinVar:

NM_032108.4(SEMA6B):c.1733G>A (p.Cys578Tyr)

Gene: SEMA6B (semaphorin 6B; minus strand). Cytogenetic location: 19p13.3.
Variant type: single nucleotide variant.
Coding change: c.1733G>A on transcript NM_032108.4 (MANE Select); coding-DNA position 1733, G replaced by A.
Protein change: p.Cys578Tyr; replaces cysteine 578 with tyrosine.
Molecular consequence: missense variant.
Genome position (GRCh38, 1-based): chr19:4,546,221, C>T on the plus strand (G>A on the coding strand, the complement: SEMA6B is on the minus strand). VCF-style: chr19-4546221-C-T. GRCh37 (hg19) VCF-style: chr19-4546233-C-T.
Other names: c.1733G>A (NM_032108.3); short protein forms C578Y.
Identifiers: ClinVar variation 1708312 (VCV001708312.3), dbSNP rs373413237, ClinGen allele CA9102346.

ClinVar aggregate classification (germline): Conflicting classifications of pathogenicity. Review status: criteria provided, conflicting classifications (1 of 4 stars). 2 submissions from 2 submitters: Uncertain significance (1); Likely benign (1). Last evaluated 2025-04-10.

Conditions:
Inborn genetic diseases. Identifiers: MedGen C0950123, MeSH D030342.

Allele frequency attached by ClinVar (database versions not stated): ExAC 0.00004; TOPMed 0.00004; gnomAD 0.00007; ESP Exome Variant Server 0.00008; gnomAD exomes 0.00011.
gnomAD v4.1: 170 of 1,611,096 alleles (0.011%); highest among the groups gnomAD compares: Non-Finnish European, 0.014%; no homozygotes.

Submissions (2):

Ambry Genetics
Classification: Likely benign for Inborn genetic diseases. Last evaluated: 2025-04-10. Review status: criteria provided, single submitter. Criteria: Ambry Variant Classification Scheme 2023. Collection method: clinical testing. Allele origin: germline.

Centre of Medical Genetics, University Hospital Muenster
Classification: Uncertain significance. Last evaluated: 2021-12-10. Review status: criteria provided, single submitter. Criteria: ACMG Guidelines, 2015. Collection method: clinical testing. Allele origin: unknown. Affected: yes. Observed: 1 variant allele, 1 heterozygote.
Comment: ACMG categories: PM1,PM2,PP3,BP1